The following is an entry in ClinVar:

NM_000497.4(CYP11B1):c.642_643del (p.His214fs)

Genes: CYP11B1 (cytochrome P450 family 11 subfamily B member 1; minus strand), LOC106799833 (CYP11B1 recombination region; plus strand). Cytogenetic location: 8q24.3.
Variant type: Microsatellite.
Coding change: c.642_643del on transcript NM_000497.4 (MANE Select); coding-DNA positions 642 to 643, 2 bases deleted (CA; older notation c.642_643delCA).
Protein change: p.His214fs; shifts the reading frame from histidine 214.
Molecular consequence: frameshift variant.
Genome position (GRCh38, 1-based): chr8:142,876,838-142,876,839, TG deleted on the plus strand (CA on the coding strand, the reverse complement: CYP11B1 is on the minus strand); deleting any 2 consecutive bases within chr8:142,876,838-142,876,841 gives the same sequence; the c. name uses the placement nearest the transcript's 3' end. VCF-style (leftmost placement, unchanged base first): chr8-142876837-CTG-C. GRCh37 (hg19) VCF-style: chr8-143958253-CTG-C.
Other names: c.642_643del, p.His214fs (NM_001026213.1); c.642_643delCA (NM_000497.3); short protein forms H214fs.
Identifiers: ClinVar variation 1076260 (VCV001076260.9), dbSNP rs1369163428, ClinGen allele CA848687434.

ClinVar aggregate classification (germline): Pathogenic/Likely pathogenic. Review status: criteria provided, multiple submitters, no conflicts (2 of 4 stars). 3 submissions from 3 submitters: Pathogenic (2); Likely pathogenic (1). Last evaluated 2023-11-20.

Conditions:
Multiple congenital anomalies/dysmorphic syndrome-intellectual disability. Identifiers: Orphanet 102283, MedGen C5680372, MONDO:0015159.
Deficiency of steroid 11-beta-monooxygenase (CYP11B1). Also called: ADRENAL HYPERPLASIA, CONGENITAL, DUE TO STEROID 11-BETA-HYDROXYLASE DEFICIENCY; ADRENAL HYPERPLASIA IV; 11-BETA-HYDROXYLASE DEFICIENCY; P450C11B1 DEFICIENCY; STEROID 11-BETA-HYDROXYLASE DEFICIENCY; Congenital adrenal hyperplasia due to 11-beta-hydroxylase deficiency. Identifiers: Orphanet 90795, MedGen C0268292, MONDO:0008729, OMIM 202010. Disease mechanism: loss of function.

Submissions (3):

Clinical Biochemistry Laboratory, Health Services Laboratory
Classification: Likely pathogenic for Deficiency of steroid 11-beta-monooxygenase. Last evaluated: 2023-11-20. Review status: criteria provided, single submitter. Criteria: ACMG Guidelines, 2015. Collection method: clinical testing. Allele origin: germline. Affected: yes.
Comment: ACMG:PVS1 PM2

Labcorp Genetics (formerly Invitae), Labcorp
Classification: Pathogenic. Last evaluated: 2023-04-03. Review status: criteria provided, single submitter. Criteria: Invitae Variant Classification Sherloc (09022015). Collection method: clinical testing. Allele origin: germline.
Comment: For these reasons, this variant has been classified as Pathogenic. This variant has not been reported in the literature in individuals affected with CYP11B1-related conditions. This variant is not present in population databases (gnomAD no frequency). This sequence change creates a premature translational stop signal (p.His214Glnfs*44) in the CYP11B1 gene. It is expected to result in an absent or disrupted protein product. Loss-of-function variants in CYP11B1 are known to be pathogenic (PMID: 8506298, 26476331).

AURAGEN, Plan France Médecine Génomique
Classification: Pathogenic for Multiple congenital anomalies/dysmorphic syndrome-intellectual disability. Last evaluated: 2021-09-20. Review status: criteria provided, single submitter. Criteria: PFMG2025 (Lancet Reg Health Eur. 2025). Collection method: clinical testing. Allele origin: germline. Affected: yes.

Literature cited by the submitters: PubMed 8506298 (cited by Labcorp Genetics (formerly Invitae), Labcorp); PubMed 26476331 (cited by Labcorp Genetics (formerly Invitae), Labcorp).